The following is an entry in ClinVar:

ClinVar aggregate classification (germline): Uncertain significance. Review status: criteria provided, multiple submitters, no conflicts (2 of 4 stars). 2 submissions from 2 submitters: Uncertain significance (2). Last evaluated 2025-07-23.

Conditions:
TTN-related disorder. Also called: TTN-related disorders; TTN-related condition; TTN-related disease.
Cardiovascular phenotype. Identifiers: MedGen CN230736.

Allele frequency attached by ClinVar (database versions not stated): gnomAD exomes below 0.00001; gnomAD 0.00001; TOPMed 0.00003; ESP Exome Variant Server 0.00008.
gnomAD v4.1: 3 of 1,613,530 alleles (0.00019%); highest among the groups gnomAD compares: African/African-American, 0.0027%; no homozygotes.

Submissions (2):

PreventionGenetics, part of Exact Sciences
Classification: Uncertain significance for TTN-related condition. Last evaluated: 2025-07-23. Review status: criteria provided, single submitter. Criteria: ACMG Guidelines, 2015. Collection method: clinical testing. Allele origin: germline.
Comment: The TTN c.80254A>G variant is predicted to result in the amino acid substitution p.Ile26752Val. To our knowledge, this variant has not been reported in the literature or in a large population database (gnomAD), indicating this variant is rare. At this time, the clinical significance of this variant is uncertain due to the absence of conclusive functional and genetic evidence.

Ambry Genetics
Classification: Uncertain significance for Cardiovascular phenotype. Last evaluated: 2019-07-18. Review status: criteria provided, single submitter. Criteria: Ambry Variant Classification Scheme 2023. Collection method: clinical testing. Allele origin: germline.
Comment: The p.I17687V variant (also known as c.53059A>G), located in coding exon 153 of the TTN gene, results from an A to G substitution at nucleotide position 53059. The isoleucine at codon 17687 is replaced by valine, an amino acid with highly similar properties. This amino acid position is well conserved in available vertebrate species. In addition, this alteration is predicted to be tolerated by in silico analysis. Since supporting evidence is limited at this time, the clinical significance of this alteration remains unclear.

NM_001267550.2(TTN):c.80254A>G (p.Ile26752Val)

Genes: TTN-AS1 (TTN antisense RNA 1; plus strand), TTN (titin; minus strand). Cytogenetic location: 2q31.2.
Variant type: single nucleotide variant.
Coding change: c.80254A>G on transcript NM_001267550.2 (MANE Select); coding-DNA position 80254, A replaced by G.
Protein change: p.Ile26752Val; replaces isoleucine 26752 with valine.
Molecular consequence: missense variant.
Genome position (GRCh38, 1-based): chr2:178,565,878, T>C on the plus strand (A>G on the coding strand, the complement: TTN is on the minus strand). VCF-style: chr2-178565878-T-C. GRCh37 (hg19) VCF-style: chr2-179430605-T-C.
Other names: c.75331A>G, p.Ile25111Val (NM_001256850.1); c.53059A>G, p.Ile17687Val (NM_003319.4); c.72550A>G, p.Ile24184Val (NM_133378.4); c.53434A>G, p.Ile17812Val (NM_133432.3); c.53635A>G, p.Ile17879Val (NM_133437.4); short protein forms I17812V, I25111V, I17687V, I17879V, I26752V, I24184V.
Identifiers: ClinVar variation 1746722 (VCV001746722.3), dbSNP rs376046847, ClinGen allele CA60989260.